The following is an entry in ClinVar:

ClinVar aggregate classification (germline): Conflicting classifications of pathogenicity. Review status: criteria provided, conflicting classifications (1 of 4 stars). 8 submissions from 8 submitters: Uncertain significance (1); Benign (1); Likely benign (4). 2 of the submissions do not count toward it. Last evaluated 2026-01-18.

Conditions:
Hereditary cancer-predisposing syndrome. Also called: Neoplastic Syndromes, Hereditary; Hereditary Cancer Syndrome; Tumor predisposition; Hereditary neoplastic syndrome. Identifiers: Orphanet 140162, MedGen C0027672, MeSH D009386, MONDO:0015356.
Fanconi anemia (FA). Also called: Fanconi's anemia. Identifiers: Orphanet 84, MedGen C0015625, MeSH D005199, MONDO:0019391.
Fanconi anemia complementation group C (FANCC). Also called: Fanconi anemia, group C; FANCC-Related Fanconi Anemia; FANCONI PANCYTOPENIA, TYPE 3; FACC. Identifiers: Orphanet 84, MedGen C3468041, MONDO:0009213, OMIM 227645.
Malignant tumor of breast. Also called: Malignant breast neoplasm; Cancer breast. Identifiers: MedGen C0006142, MONDO:0007254. Disease mechanism: loss of function.

Allele frequency attached by ClinVar (database versions not stated): gnomAD exomes 0.00010; ExAC 0.00023; ESP Exome Variant Server 0.00038; gnomAD 0.00040 and 0.00046; TOPMed 0.00043.
gnomAD v4.1: 135 of 1,605,808 alleles (0.0084%); highest among the groups gnomAD compares: African/African-American, 0.15%; no homozygotes.

Submissions (8):

Labcorp Genetics (formerly Invitae), Labcorp
Classification: Likely benign for Fanconi anemia. Last evaluated: 2026-01-18. Review status: criteria provided, single submitter. Criteria: Invitae Variant Classification Sherloc (09022015). Collection method: clinical testing. Allele origin: germline.

Sema4
Classification: Likely benign for Fanconi anemia. Last evaluated: 2021-03-05. Review status: criteria provided, single submitter. Criteria: Sema4 Curation Guidelines. Collection method: curation. Allele origin: germline.

Women's Health and Genetics/Laboratory Corporation of America, LabCorp
Classification: Likely benign. Last evaluated: 2019-08-28. Review status: criteria provided, single submitter. Criteria: LabCorp Variant Classification Summary - May 2015. Collection method: clinical testing. Allele origin: germline.

Illumina Laboratory Services, Illumina
Classification: Uncertain significance for Fanconi anemia complementation group C. Last evaluated: 2018-01-13. Review status: criteria provided, single submitter. Criteria: ICSL Variant Classification Criteria 13 December 2019. Collection method: clinical testing. Allele origin: germline.

Ambry Genetics
Classification: Likely benign for Hereditary cancer-predisposing syndrome. Last evaluated: 2017-08-01. Review status: criteria provided, single submitter. Criteria: Ambry Variant Classification Scheme 2023. Collection method: clinical testing. Allele origin: germline.

GeneDx
Classification: Benign. Last evaluated: 2014-02-20. Review status: criteria provided, single submitter. Criteria: GeneDx Variant Classification (06012015). Collection method: clinical testing. Allele origin: germline. Affected: yes.
Comment: This variant is considered likely benign or benign based on one or more of the following criteria: it is a conservative change, it occurs at a poorly conserved position in the protein, it is predicted to be benign by multiple in silico algorithms, and/or has population frequency not consistent with disease.

Natera, Inc.
Classification: Likely benign for Fanconi anemia. Last evaluated: 2018-04-25. Review status: no assertion criteria provided. Collection method: clinical testing. Allele origin: germline. Not counted in ClinVar's aggregate classification.

Department of Pathology and Laboratory Medicine, Sinai Health System
Classification: Likely benign for Malignant tumor of breast. Review status: no assertion criteria provided. Collection method: clinical testing. Allele origin: unknown. Affected: yes. Study: The Canadian Open Genetics Repository (COGR). Not counted in ClinVar's aggregate classification.
Comment: The FANCC p.Asn224= variant was not identified in the literature nor was it identified in the LOVD 3.0, databases. The variant was identified in dbSNP (ID: rs150647141) as With Likely benign allele, ClinVar (classified as benign by GeneDx; classified as likely benign by Invitae), Clinvitae (classified as benign by ClinVar; classified as likely benign by Invitae), databases. The variant was identified in control databases in 35 of 263702 chromosomes at a frequency of 0.000133 increasing the likelihood that this may be a low frequency benign variant in certain populations of origin (Genome Aggregation Consortium Feb 27, 2017). The p.Asn224= variant is not expected to have clinical significance because it does not result in a change of amino acid and is not located in a known consensus splice site. In addition, in silico or computational prediction software programs (SpliceSiteFinder, MaxEntScan, NNSPLICE, GeneSplicer, HumanSpliceFinder) do not predict a difference in splicing. In summary, based on the above information, the clinical significance of this variant cannot be determined with certainty at this time although we would lean towards a more benign role for this variant. This variant is classified as likely benign.â€šÃ„Â®References (PMIDs): N/A

NM_000136.3(FANCC):c.672C>T (p.Asn224=)

Genes: AOPEP (aminopeptidase O (putative); plus strand), FANCC (FA complementation group C; minus strand). Cytogenetic location: 9q22.32.
Variant type: single nucleotide variant.
Coding change: c.672C>T on transcript NM_000136.3 (MANE Select); coding-DNA position 672, C replaced by T.
Protein change: p.Asn224=; no amino-acid change (asparagine 224 retained).
Molecular consequence: synonymous variant.
Genome position (GRCh38, 1-based): chr9:95,149,937, G>A on the plus strand (C>T on the coding strand, the complement: FANCC is on the minus strand). VCF-style: chr9-95149937-G-A. GRCh37 (hg19) VCF-style: chr9-97912219-G-A.
Other names: p.N224N:AAC>AAT; c.672C>T, p.Asn224= (NM_001243743.2, NM_001243744.2).
Identifiers: ClinVar variation 137275 (VCV000137275.28), dbSNP rs150647141, ClinGen allele CA290809.
Genomic context (GRCh38, chr9:95,149,937, plus strand): 5'-GAAAAGGAAAAACGACGCAGGATGACAGGAAACATTTGCCACTTACAGCAAAATGGCCTC[G>A]TTTACAGCCTCAAAGAACTCTGGCTGGAGGATTTCCTGAGGTTCACGTCCATGACAGATG-3'
Protein context (NP_000127.2, residues 214-234): ILQPEFFEAV[Asn224=]EAILLKKISL